The following is an entry in ClinVar:

NM_000363.5(TNNI3):c.617A>T (p.Lys206Ile)

Gene: TNNI3 (troponin I3, cardiac type; minus strand). Cytogenetic location: 19q13.42.
Variant type: single nucleotide variant.
Coding change: c.617A>T on transcript NM_000363.5 (MANE Select); coding-DNA position 617, A replaced by T.
Protein change: p.Lys206Ile; replaces lysine 206 with isoleucine.
Molecular consequence: missense variant.
Genome position (GRCh38, 1-based): chr19:55,151,850, T>A on the plus strand (A>T on the coding strand, the complement: TNNI3 is on the minus strand). VCF-style: chr19-55151850-T-A. GRCh37 (hg19) VCF-style: chr19-55663218-T-A.
Other names: p.K206I:AAA>ATA; c.617A>T (LRG_432t1); short protein forms K206I.
Identifiers: ClinVar variation 181594 (VCV000181594.2), dbSNP rs730881082, ClinGen allele CA022085.

ClinVar aggregate classification (germline): Pathogenic (1 of 4 stars; one submission).

Submission:

GeneDx
Classification: Pathogenic. Last evaluated: 2013-04-03. Review status: criteria provided, single submitter. Criteria: GeneDx Variant Classification (06012015). Collection method: clinical testing. Allele origin: germline. Affected: yes.
Comment: The Lys206Ile mutation in the TNNI3 gene has not been reported to our knowledge, a mutation affecting this same codon, Lys206Gln, has been reported in association with HCM. Additionally, mutations in nearby residues (Gly203Arg, Gly203Ser, Arg204Cys, Arg204His) have been reported in association with HCM, further supporting the functional importance of this codon and this region of the protein. Lys206Ile results in a non-conservative amino acid substitution of a positively charged Lysine with a non-polar Isoleucine at a position that is conserved across species. In silico analysis predicts Lys206Ile is damaging to the protein structure/function. Furthermore, Lys206Ile was not observed in approximately 6,000 individuals of European and African American ancestry in the NHLBI Exome Sequencing Project, indicating it is not a common benign variant in these populations.In summary, Lys206Ile in the TNNI3 gene is interpreted as a likely disease-causing mutation. The variant is found in HCM panel(s).